The following is an entry in ClinVar:

ClinVar aggregate classification (germline): Uncertain significance (1 of 4 stars; one submission).

Submission:

Labcorp Genetics (formerly Invitae), Labcorp
Classification: Uncertain significance. Last evaluated: 2021-04-14. Review status: criteria provided, single submitter. Criteria: Invitae Variant Classification Sherloc (09022015). Collection method: clinical testing. Allele origin: germline.
Comment: Algorithms developed to predict the effect of missense changes on protein structure and function are either unavailable or do not agree on the potential impact of this missense change (SIFT: "Deleterious"; PolyPhen-2: "Benign"; Align-GVGD: "Class C65"). In summary, the available evidence is currently insufficient to determine the role of this variant in disease. Therefore, it has been classified as a Variant of Uncertain Significance. This sequence change replaces glycine with aspartic acid at codon 484 of the CAMK2B protein (p.Gly484Asp). The glycine residue is highly conserved and there is a moderate physicochemical difference between glycine and aspartic acid. The frequency data for this variant in the population databases is considered unreliable, as metrics indicate insufficient coverage at this position in the ExAC database. This variant has not been reported in the literature in individuals with CAMK2B-related conditions.

NM_001220.5(CAMK2B):c.1451G>A (p.Gly484Asp)

Gene: CAMK2B (calcium/calmodulin dependent protein kinase II beta; minus strand). Cytogenetic location: 7p13.
Variant type: single nucleotide variant.
Coding change: c.1451G>A on transcript NM_001220.5 (MANE Select); coding-DNA position 1451, G replaced by A.
Protein change: p.Gly484Asp; replaces glycine 484 with aspartic acid.
Molecular consequence: missense variant. On other transcripts: intron variant (8).
Genome position (GRCh38, 1-based): chr7:44,228,813, C>T on the plus strand (G>A on the coding strand, the complement: CAMK2B is on the minus strand). VCF-style: chr7-44228813-C-T. GRCh37 (hg19) VCF-style: chr7-44268412-C-T.
Other names: c.947-7912G>A (NM_172084.3); c.1150+2193G>A (NM_172080.3); c.1036+2193G>A (NM_172083.3); c.1108+2193G>A (NM_172081.3); c.1153+2193G>A (NM_172079.3, NM_172082.3); c.1225+2193G>A (NM_001293170.2, NM_172078.3); short protein forms G484D.
Identifiers: ClinVar variation 1525064 (VCV001525064.8), dbSNP rs2128910684, ClinGen allele CA367372937.